The following is an entry in ClinVar:

NM_006206.6(PDGFRA):c.2678G>T (p.Gly893Val)

Gene: PDGFRA (platelet derived growth factor receptor alpha; plus strand). Cytogenetic location: 4q12.
Variant type: single nucleotide variant.
Coding change: c.2678G>T on transcript NM_006206.6 (MANE Select); coding-DNA position 2678, G replaced by T.
Protein change: p.Gly893Val; replaces glycine 893 with valine.
Molecular consequence: missense variant.
Genome position (GRCh38, 1-based): chr4:54,288,802, G>T. VCF-style: chr4-54288802-G-T. GRCh37 (hg19) VCF-style: chr4-55154969-G-T.
Other names: c.2753G>T, p.Gly918Val (NM_001347828.2); c.2678G>T, p.Gly893Val (NM_001347829.2); c.2717G>T, p.Gly906Val (NM_001347830.2); short protein forms G918V, G893V, G906V.
Identifiers: ClinVar variation 2114075 (VCV002114075.4), dbSNP rs2110344319, ClinGen allele CA356895404.

ClinVar aggregate classification (germline): Uncertain significance (1 of 4 stars; one submission).

Conditions:
Gastrointestinal stromal tumor. Also called: Gastrointestinal stroma tumor; Gastrointestinal stromal tumor, somatic. Identifiers: Orphanet 44890, MedGen C0238198, MeSH D046152, MONDO:0011719, OMIM 606764, HP:0100723.

Allele frequency attached by ClinVar (database versions not stated): gnomAD exomes below 0.00001.
gnomAD v4.1: 1 of 1,601,462 alleles (0.000062%); highest among the groups gnomAD compares: Non-Finnish European, 0.000086%; no homozygotes.

Submission:

Labcorp Genetics (formerly Invitae), Labcorp
Classification: Uncertain significance for Gastrointestinal stromal tumor. Last evaluated: 2024-04-05. Review status: criteria provided, single submitter. Criteria: Invitae Variant Classification Sherloc (09022015). Collection method: clinical testing. Allele origin: germline.
Comment: This sequence change replaces glycine, which is neutral and non-polar, with valine, which is neutral and non-polar, at codon 893 of the PDGFRA protein (p.Gly893Val). This variant is not present in population databases (gnomAD no frequency). This variant has not been reported in the literature in individuals affected with PDGFRA-related conditions. ClinVar contains an entry for this variant (Variation ID: 2114075). Advanced modeling of protein sequence and biophysical properties (such as structural, functional, and spatial information, amino acid conservation, physicochemical variation, residue mobility, and thermodynamic stability) performed at Invitae indicates that this missense variant is not expected to disrupt PDGFRA protein function with a negative predictive value of 80%. In summary, the available evidence is currently insufficient to determine the role of this variant in disease. Therefore, it has been classified as a Variant of Uncertain Significance.